The following is an entry in ClinVar:

ClinVar aggregate classification (germline): Likely pathogenic (1 of 4 stars; one submission).

Conditions:
Maple syrup urine disease (MSUD). Identifiers: Orphanet 511, MedGen C0024776, MeSH D008375, MONDO:0009563. Disease mechanism: loss of function.

Submission:

Labcorp Genetics (formerly Invitae), Labcorp
Classification: Likely pathogenic for Maple syrup urine disease. Last evaluated: 2018-10-03. Review status: criteria provided, single submitter. Criteria: Invitae Variant Classification Sherloc (09022015). Collection method: clinical testing. Allele origin: germline.
Comment: In summary, the currently available evidence indicates that the variant is pathogenic, but additional data are needed to prove that conclusively. Therefore, this variant has been classified as Likely Pathogenic. Experimental studies have shown that this variant alters the DBT mRNA splicing (PMID:¬†9239422). This variant has been observed to be homozygous or in combination with other DBT variants in individuals affected with maple syrup urine disease (PMID:¬†9239422,¬†1847055).¬†This variant is also known as¬†IVS4del[-3.2 kb:-15]¬†in the literature. This sequence change falls in intron 4 of the DBT gene. It does not directly change the encoded amino acid sequence of the DBT protein.

NC_000001.11:g.(?_100218757)_(100221872_?)del

Gene: DBT (dihydrolipoamide branched chain transacylase E2; minus strand). Cytogenetic location: 1p21.2.
Variant type: Deletion.
Identifiers: ClinVar variation 645865 (VCV000645865.5).